The following is an entry in ClinVar:

ClinVar aggregate classification (germline): Conflicting classifications of pathogenicity. Review status: criteria provided, conflicting classifications (1 of 4 stars). 2 submissions from 2 submitters: Uncertain significance (1); Likely benign (1). Last evaluated 2023-07-01.

Conditions:
Holoprosencephaly 9 (HPE9). Also called: HOLOPROSENCEPHALY WITH MICROPHTHALMIA AND FIRST BRANCHIAL ARCH ANOMALIES; PITUITARY ANOMALIES WITH HOLOPROSENCEPHALY-LIKE FEATURES. Identifiers: Orphanet 2162, MedGen C1835819, MONDO:0012563, OMIM 610829.

Allele frequency attached by ClinVar (database versions not stated): TOPMed 0.00010.
gnomAD v4.1: 97 of 413,440 alleles (0.023%); highest among the groups gnomAD compares: East Asian, 0.056%; 1 homozygote.

Submissions (2):

CeGaT Center for Human Genetics Tuebingen
Classification: Likely benign. Last evaluated: 2023-07-01. Review status: criteria provided, single submitter. Criteria: CeGaT Center For Human Genetics Tuebingen Variant Classification Criteria Version 2. Collection method: clinical testing. Allele origin: germline. Affected: yes. Observed: 2 variant alleles.
Comment: GLI2: BS1

Illumina Laboratory Services, Illumina
Classification: Uncertain significance for Holoprosencephaly 9. Last evaluated: 2018-01-13. Review status: criteria provided, single submitter. Criteria: ICSL Variant Classification Criteria 13 December 2019. Collection method: clinical testing. Allele origin: germline.

NM_001374353.1(GLI2):c.*285G>A

Gene: GLI2 (GLI family zinc finger 2; plus strand). Cytogenetic location: 2q14.2.
Variant type: single nucleotide variant.
Coding change: c.*285G>A on transcript NM_001374353.1 (MANE Select); 285 bases downstream of the stop codon, G replaced by A.
Molecular consequence: 3 prime UTR variant.
Genome position (GRCh38, 1-based): chr2:120,990,960, G>A. VCF-style: chr2-120990960-G-A. GRCh37 (hg19) VCF-style: chr2-121748536-G-A.
Other names: c.*285G>A (NM_001371271.1, NM_001374354.1, NM_005270.5).
Identifiers: ClinVar variation 894670 (VCV000894670.28), dbSNP rs536145925, ClinGen allele CA54387105.